The following is an entry in ClinVar:

NM_001105206.3(LAMA4):c.422+6T>C

Gene: LAMA4 (laminin subunit alpha 4; minus strand). Cytogenetic location: 6q21.
Variant type: single nucleotide variant.
Coding change: c.422+6T>C on transcript NM_001105206.3 (MANE Select); 6 bases into the intron after coding-DNA position 422, T replaced by C.
Molecular consequence: intron variant.
Genome position (GRCh38, 1-based): chr6:112,207,015, A>G on the plus strand (T>C on the coding strand, the complement: LAMA4 is on the minus strand). VCF-style: chr6-112207015-A-G. GRCh37 (hg19) VCF-style: chr6-112528216-A-G.
Other names: c.422+6T>C (NM_002290.5, NM_001105207.3).
Identifiers: ClinVar variation 1383339 (VCV001383339.6), dbSNP rs2115023963, ClinGen allele CA2573140411.

ClinVar aggregate classification (germline): Uncertain significance (1 of 4 stars; one submission).

Conditions:
Dilated cardiomyopathy 1JJ (CMD1JJ). Identifiers: Orphanet 154, MedGen C3808935, MONDO:0014095, OMIM 615235.

Submission:

Labcorp Genetics (formerly Invitae), Labcorp
Classification: Uncertain significance for Dilated cardiomyopathy 1JJ. Last evaluated: 2025-03-03. Review status: criteria provided, single submitter. Criteria: Invitae Variant Classification Sherloc (09022015). Collection method: clinical testing. Allele origin: germline.
Comment: This sequence change falls in intron 4 of the LAMA4 gene. It does not directly change the encoded amino acid sequence of the LAMA4 protein. It affects a nucleotide within the consensus splice site. This variant is not present in population databases (gnomAD no frequency). This variant has not been reported in the literature in individuals affected with LAMA4-related conditions. ClinVar contains an entry for this variant (Variation ID: 1383339). Variants that disrupt the consensus splice site are a relatively common cause of aberrant splicing (PMID: 17576681, 9536098). Algorithms developed to predict the effect of sequence changes on RNA splicing suggest that this variant is not likely to affect RNA splicing. In summary, the available evidence is currently insufficient to determine the role of this variant in disease. Therefore, it has been classified as a Variant of Uncertain Significance.

Literature cited by the submitters: PubMed 17576681; PubMed 9536098.